The following is an entry in ClinVar:

NM_001267550.2(TTN):c.97030G>A (p.Gly32344Ser)

Genes: TTN (titin; minus strand), TTN-AS1 (TTN antisense RNA 1; plus strand). Cytogenetic location: 2q31.2.
Variant type: single nucleotide variant.
Coding change: c.97030G>A on transcript NM_001267550.2 (MANE Select); coding-DNA position 97030, G replaced by A.
Protein change: p.Gly32344Ser; replaces glycine 32344 with serine.
Molecular consequence: missense variant.
Genome position (GRCh38, 1-based): chr2:178,542,824, C>T on the plus strand (G>A on the coding strand, the complement: TTN is on the minus strand). VCF-style: chr2-178542824-C-T. GRCh37 (hg19) VCF-style: chr2-179407551-C-T.
Other names: c.92107G>A, p.Gly30703Ser (NM_001256850.1); c.69835G>A, p.Gly23279Ser (NM_003319.4); c.89326G>A, p.Gly29776Ser (NM_133378.4); c.70210G>A, p.Gly23404Ser (NM_133432.3); c.70411G>A, p.Gly23471Ser (NM_133437.4); short protein forms G23279S, G23404S, G23471S, G29776S, G30703S, G32344S.
Identifiers: ClinVar variation 4080646 (VCV004080646.2).
Genomic context (GRCh38, chr2:178,542,824, plus strand): 5'-ATTTAGCTACTTTAGTGTGAGTTTCAACTGTGACACGCTCTGATTCTCTCAGTTTAGAAC[C>T]AGCAAAGAACCAGGAAGCAGCAGGAGGTGGACGGCCAGCAATAGGTATCACCAGCTCTAC-3'
Protein context (NP_001254479.2, residues 32334-32354): PPPAASWFFA[Gly32344Ser]SKLRESERVT

ClinVar aggregate classification (germline): Uncertain significance. Review status: criteria provided, multiple submitters, no conflicts (2 of 4 stars). 2 submissions from 2 submitters: Uncertain significance (2). Last evaluated 2026-05-26.

gnomAD v4.1: 24 of 1,613,616 alleles (0.0015%); highest among the groups gnomAD compares: South Asian, 0.02%; no homozygotes.

Submissions (2):

Women's Health and Genetics/Laboratory Corporation of America, LabCorp
Classification: Uncertain significance. Last evaluated: 2026-05-26. Review status: criteria provided, single submitter. Criteria: LabCorp Variant Classification Summary - May 2015. Collection method: clinical testing. Allele origin: germline.
Comment: Variant summary: TTN c.89326G>A (p.Gly29776Ser) results in a non-conservative amino acid change in the encoded protein sequence. Algorithms developed to predict the effect of missense changes on protein structure and function are either unavailable or do not agree on the potential impact of this missense change. The variant allele was found at a frequency of 8.1e-06 in 247874 control chromosomes. The available data on variant occurrences in the general population are insufficient to allow any conclusion about variant significance. c.89326G>A has been observed in the presumed heterozygous state in at least 1 individual(s) affected with TTN-related conditions (example, Boen_2024), without strong evidence for causality. These report(s) do not provide unequivocal conclusions about association of the variant with disease. To our knowledge, no experimental evidence demonstrating an impact on protein function has been reported. The following publication has been ascertained in the context of this evaluation (PMID: 38689299). ClinVar contains an entry for this variant (Variation ID: 4080646). Based on the evidence outlined above, the variant was classified as uncertain significance.

Revvity Omics, Revvity
Classification: Uncertain significance. Last evaluated: 2024-02-28. Review status: criteria provided, single submitter. Criteria: ACMG Guidelines, 2015. Collection method: clinical testing. Allele origin: germline.

Literature cited by the submitters: PubMed 38689299 (cited by Women's Health and Genetics/Laboratory Corporation of America, LabCorp).